The following is an entry in ClinVar:

NM_001365276.2(TNXB):c.3022C>T (p.Leu1008=)

Gene: TNXB (tenascin XB; minus strand). Cytogenetic location: 6p21.33.
Variant type: single nucleotide variant.
Coding change: c.3022C>T on transcript NM_001365276.2 (MANE Select); coding-DNA position 3022, C replaced by T.
Protein change: p.Leu1008=; no amino-acid change (leucine 1008 retained).
Molecular consequence: synonymous variant.
Genome position (GRCh38, 1-based): chr6:32,085,876, G>A on the plus strand (C>T on the coding strand, the complement: TNXB is on the minus strand). VCF-style: chr6-32085876-G-A. GRCh37 (hg19) VCF-style: chr6-32053653-G-A.
Other names: p.Leu1008=; c.3763C>T, p.Leu1255= (NM_001428335.1); c.3022C>T, p.Leu1008= (NM_019105.8).
Identifiers: ClinVar variation 4684964 (VCV004684964.1).

ClinVar aggregate classification (germline): Likely benign (1 of 4 stars; one submission).

gnomAD v4.1: 1 of 1,608,556 alleles (0.000062%); highest among the groups gnomAD compares: East Asian, 0.0022%; no homozygotes.

Submission:

Mayo Clinic Laboratories, Mayo Clinic
Classification: Likely benign. Last evaluated: 2025-05-05. Review status: criteria provided, single submitter. Criteria: ACMG Guidelines, 2015. Collection method: clinical testing. Allele origin: germline. Observed: 1 variant allele.
Comment: BP4, BP7, PM2_supporting